The following is an entry in ClinVar:

NM_004937.3(CTNS):c.969C>G (p.Asn323Lys)

Gene: CTNS (cystinosin, lysosomal cystine transporter; plus strand). Cytogenetic location: 17p13.2.
Variant type: single nucleotide variant.
Coding change: c.969C>G on transcript NM_004937.3 (MANE Select); coding-DNA position 969, C replaced by G.
Protein change: p.Asn323Lys; replaces asparagine 323 with lysine.
Molecular consequence: missense variant.
Genome position (GRCh38, 1-based): chr17:3,659,974, C>G. VCF-style: chr17-3659974-C-G. GRCh37 (hg19) VCF-style: chr17-3563268-C-G.
Other names: c.969C>G, p.Asn323Lys (NM_001031681.3, NM_001374492.1); c.528C>G, p.Asn176Lys (NM_001374493.1, NM_001374494.1, NM_001374495.1 and 1 more transcripts); short protein forms N323K, N176K.
Identifiers: ClinVar variation 4456 (VCV000004456.14), dbSNP rs121908128, ClinGen allele CA253164.
Genomic context (GRCh38, chr17:3,659,974, plus strand): 5'-CCTGGACTTCACCGGGGGCAGCTTCAGCCTCCTGCAGATGTTCCTCCAGTCCTACAACAA[C>G]GGTGAGTCAGCCAGCGGGCTGCTGGCCACCCTGCGGCTGGGGCATCGGGCGGGGCCAGCC-3'
Protein context (NP_004928.2, residues 313-333): LLQMFLQSYN[Asn323Lys]DQWTLIFGDP

ClinVar aggregate classification (germline): Pathogenic. Review status: criteria provided, multiple submitters, no conflicts (2 of 4 stars). 3 submissions from 3 submitters: Pathogenic (2). 1 of the submissions does not count toward it. Last evaluated 2024-03-19.

Conditions:
Inborn genetic diseases. Identifiers: MedGen C0950123, MeSH D030342.
Ocular cystinosis. Also called: Non-Nephropathic (Ocular) Cystinosis; Non-Nephropathic Cystinosis. Identifiers: Orphanet 213, Orphanet 411641, MedGen C2931013, MONDO:0009064, OMIM 219750.
Juvenile nephropathic cystinosis. Also called: CYSTINOSIS, LATE-ONSET JUVENILE OR ADOLESCENT NEPHROPATHIC TYPE; Intermediate Cystinosis; Later-Onset (Juvenile) Cystinosis. Identifiers: Orphanet 213, Orphanet 411634, MedGen C0268626, MONDO:0009066, OMIM 219900.
Nephropathic cystinosis (CTNS). Also called: Abderhalden Lignac Kaufmann disease; Abderhalden-Kaufmann-Lignac syndrome; CYSTINOSIN, DEFECT OF; LYSOSOMAL CYSTINE TRANSPORT PROTEIN, DEFECT OF. Identifiers: Orphanet 213, Orphanet 411629, MedGen C2931187, MONDO:0100151, OMIM 219800.

Allele frequency attached by ClinVar (database versions not stated): TOPMed 0.00003.
gnomAD v4.1: 5 of 1,611,508 alleles (0.00031%); highest among the groups gnomAD compares: East Asian, 0.0045%; no homozygotes.

Submissions (3):

Baylor Genetics
Classification: Pathogenic for Nephropathic cystinosis. Last evaluated: 2024-03-19. Review status: criteria provided, single submitter. Criteria: ACMG Guidelines, 2015. Collection method: clinical testing. Allele origin: unknown.

Labcorp Genetics (formerly Invitae), Labcorp
Classification: Pathogenic for Inborn genetic diseases; Ocular cystinosis; Juvenile nephropathic cystinosis. Last evaluated: 2024-02-07. Review status: criteria provided, single submitter. Criteria: Invitae Variant Classification Sherloc (09022015). Collection method: clinical testing. Allele origin: germline.
Comment: This sequence change replaces asparagine, which is neutral and polar, with lysine, which is basic and polar, at codon 323 of the CTNS protein (p.Asn323Lys). This variant is present in population databases (rs121908128, gnomAD 0.01%). This missense change has been observed in individual(s) with cystinosis (PMID: 10444339, 28238446). ClinVar contains an entry for this variant (Variation ID: 4456). An algorithm developed to predict the effect of missense changes on protein structure and function (PolyPhen-2) suggests that this variant is likely to be disruptive. Experimental studies have shown that this missense change affects CTNS function (PMID: 15128704). For these reasons, this variant has been classified as Pathogenic.

OMIM
Classification: Pathogenic for CYSTINOSIS, LATE-ONSET JUVENILE OR ADOLESCENT NEPHROPATHIC TYPE. Last evaluated: 1999-08-01. Review status: no assertion criteria provided. Collection method: literature only. Allele origin: germline. Not counted in ClinVar's aggregate classification.

Literature cited by the submitters: PubMed 10444339 (cited by Labcorp Genetics (formerly Invitae), Labcorp and OMIM); PubMed 28238446 (cited by Labcorp Genetics (formerly Invitae), Labcorp); PubMed 15128704 (cited by Labcorp Genetics (formerly Invitae), Labcorp).